The following is an entry in ClinVar:

NM_004168.4(SDHA):c.1551+4A>G

Gene: SDHA (succinate dehydrogenase complex flavoprotein subunit A; plus strand). Cytogenetic location: 5p15.33.
Variant type: single nucleotide variant.
Coding change: c.1551+4A>G on transcript NM_004168.4 (MANE Select); 4 bases into the intron after coding-DNA position 1551, A replaced by G.
Molecular consequence: intron variant.
Genome position (GRCh38, 1-based): chr5:240,480, A>G. VCF-style: chr5-240480-A-G. GRCh37 (hg19) VCF-style: chr5-240595-A-G.
Other names: c.1551+4A>G (NM_001330758.2); c.1407+4A>G (NM_001294332.2).
Identifiers: ClinVar variation 509978 (VCV000509978.15), dbSNP rs928294715, ClinGen allele CA112829820.

ClinVar aggregate classification (germline): Conflicting classifications of pathogenicity. Review status: criteria provided, conflicting classifications (1 of 4 stars). 3 submissions from 3 submitters: Uncertain significance (1); Likely benign (2). Last evaluated 2026-01-20.

Conditions:
Mitochondrial complex II deficiency, nuclear type 1. Also called: SUCCINATE CoQ REDUCTASE DEFICIENCY. Identifiers: Orphanet 3208, MedGen C5700310, MONDO:0100294, OMIM 252011.
Pheochromocytoma/paraganglioma syndrome 5. Also called: Paragangliomas 5; SDHA-Related Hereditary Paraganglioma-Pheochromocytoma Syndrome. Identifiers: Orphanet 29072, MedGen C3279992, MONDO:0013602, OMIM 614165.
Hereditary cancer-predisposing syndrome. Also called: Neoplastic Syndromes, Hereditary; Hereditary Cancer Syndrome; Hereditary neoplastic syndrome; Tumor predisposition. Identifiers: Orphanet 140162, MedGen C0027672, MeSH D009386, MONDO:0015356.

Allele frequency attached by ClinVar (database versions not stated): gnomAD 0.00001; gnomAD exomes 0.00001; TOPMed 0.00002.
gnomAD v4.1: 17 of 1,584,672 alleles (0.0011%); highest among the groups gnomAD compares: Non-Finnish European, 0.001%; no homozygotes.

Submissions (3):

Labcorp Genetics (formerly Invitae), Labcorp
Classification: Likely benign for Pheochromocytoma/paraganglioma syndrome 5; Mitochondrial complex II deficiency, nuclear type 1. Last evaluated: 2026-01-20. Review status: criteria provided, single submitter. Criteria: Invitae Variant Classification Sherloc (09022015). Collection method: clinical testing. Allele origin: germline.

Ambry Genetics
Classification: Uncertain significance for Hereditary cancer-predisposing syndrome. Last evaluated: 2024-04-08. Review status: criteria provided, single submitter. Criteria: Ambry Variant Classification Scheme 2023. Collection method: clinical testing. Allele origin: germline.
Comment: The c.1551+4A>G intronic variant results from an A to G substitution 4 nucleotides after coding exon 11 in the SDHA gene. This nucleotide position is not well conserved in available vertebrate species. In silico splice site analysis predicts that this alteration will not have any significant effect on splicing; however, direct evidence is insufficient at this time (Ambry internal data). Since supporting evidence is limited at this time, the clinical significance of this alteration remains unclear.

GeneDx
Classification: Likely benign. Last evaluated: 2017-06-05. Review status: criteria provided, single submitter. Criteria: GeneDx Variant Classification (06012015). Collection method: clinical testing. Allele origin: germline. Affected: yes.
Comment: This variant is considered likely benign or benign based on one or more of the following criteria: it is a conservative change, it occurs at a poorly conserved position in the protein, it is predicted to be benign by multiple in silico algorithms, and/or has population frequency not consistent with disease.